The following is an entry in ClinVar:

ClinVar aggregate classification (germline): Uncertain significance (1 of 4 stars; one submission).

Submission:

Labcorp Genetics (formerly Invitae), Labcorp
Classification: Uncertain significance. Last evaluated: 2025-07-23. Review status: criteria provided, single submitter. Criteria: Invitae Variant Classification Sherloc (09022015). Collection method: clinical testing. Allele origin: germline.
Comment: This variant, c.438_440dup, results in the insertion of 1 amino acid(s) of the CTNNA1 protein (p.Val147dup), but otherwise preserves the integrity of the reading frame. This variant is not present in population databases (gnomAD no frequency). This variant has not been reported in the literature in individuals affected with CTNNA1-related conditions. ClinVar contains an entry for this variant (Variation ID: 2856515). In summary, the available evidence is currently insufficient to determine the role of this variant in disease. Therefore, it has been classified as a Variant of Uncertain Significance.

NM_001903.5(CTNNA1):c.438_440dup (p.Val147_Tyr148insVal)

Gene: CTNNA1 (catenin alpha 1; plus strand). Cytogenetic location: 5q31.2.
Variant type: Duplication.
Coding change: c.438_440dup on transcript NM_001903.5 (MANE Select); coding-DNA positions 438 to 440, 3 bases duplicated (TGT; older notation c.438_440dupTGT).
Protein change: p.Val147_Tyr148insVal.
Molecular consequence: inframe insertion.
Genome position (GRCh38, 1-based): chr5:138,810,174-138,810,176, TGT duplicated. VCF-style (leftmost placement, unchanged base first): chr5-138810173-A-ATGT. GRCh37 (hg19) VCF-style: chr5-138145862-A-ATGT.
Other names: c.438_440dup, p.Val147_Tyr148insVal (NM_001290307.3, NM_001323982.2, NM_001323983.1 and 3 more transcripts); c.129_131dup, p.Val44_Tyr45insVal (NM_001290309.3); c.69_71dup, p.Val24_Tyr25insVal (NM_001290310.3).
Identifiers: ClinVar variation 2856515 (VCV002856515.3), dbSNP rs2532331122, ClinGen allele CA2739275094.